The following is an entry in ClinVar:

ClinVar aggregate classification (germline): Uncertain significance (1 of 4 stars; one submission).

Conditions:
Arginine:glycine amidinotransferase deficiency (CCDS3). Also called: AGAT deficiency; Creatine deficiency syndrome due to AGAT deficiency; GATM deficiency; L-Arginine:Glycine Amidinotransferase (AGAT) Deficiency; Cerebral creatine deficiency syndrome 3; L-Arginine:Glycine Amidinotransferase Deficiency. Identifiers: Orphanet 35704, MedGen C2675179, MONDO:0012996, OMIM 612718.

Submission:

Labcorp Genetics (formerly Invitae), Labcorp
Classification: Uncertain significance for Arginine:glycine amidinotransferase deficiency. Last evaluated: 2019-07-17. Review status: criteria provided, single submitter. Criteria: Invitae Variant Classification Sherloc (09022015). Collection method: clinical testing. Allele origin: germline.
Comment: This variant results in a copy number gain of the genomic region encompassing the full coding sequence of the GATM gene. The boundaries of this event are unknown as they extend beyond the assayed region for this gene and therefore may encompass additional genes. As the precise location of this event is unknown, it may be in tandem or it may be located elsewhere in the genome. This variant has not been reported in the literature in individuals with GATM-related disease. In summary, the available evidence is currently insufficient to determine the role of this variant in disease. Therefore, it has been classified as a Variant of Uncertain Significance.

NC_000015.10:g.(?_45362089)_(45378473_?)dup

Gene: GATM (glycine amidinotransferase; minus strand). Cytogenetic location: 15q21.1.
Variant type: Duplication.
Identifiers: ClinVar variation 831368 (VCV000831368.1).